The following is an entry in ClinVar:

NM_001080488.2(ONECUT3):c.621G>C (p.Pro207=)

Gene: ONECUT3 (one cut homeobox 3; plus strand). Cytogenetic location: 19p13.3.
Variant type: single nucleotide variant.
Coding change: c.621G>C on transcript NM_001080488.2 (MANE Select); coding-DNA position 621, G replaced by C.
Protein change: p.Pro207=; no amino-acid change (proline 207 retained).
Molecular consequence: synonymous variant.
Genome position (GRCh38, 1-based): chr19:1,754,283, G>C. VCF-style: chr19-1754283-G-C. GRCh37 (hg19) VCF-style: chr19-1754282-G-C.
Identifiers: ClinVar variation 3905184 (VCV003905184.10).

ClinVar aggregate classification (germline): Likely benign (1 of 4 stars; one submission).

Submission:

CeGaT Center for Human Genetics Tuebingen
Classification: Likely benign. Last evaluated: 2025-05-01. Review status: criteria provided, single submitter. Criteria: CeGaT Center For Human Genetics Tuebingen Variant Classification Criteria Version 2. Collection method: clinical testing. Allele origin: germline. Affected: yes. Observed: 1 variant allele.
Comment: ONECUT3: PM2:Supporting, BP4, BP7